The following is an entry in ClinVar:

ClinVar aggregate classification (germline): Conflicting classifications of pathogenicity. Review status: criteria provided, conflicting classifications (1 of 4 stars). 2 submissions from 2 submitters: Uncertain significance (1); Likely benign (1). Last evaluated 2025-08-27.

Conditions:
Gastrointestinal stromal tumor. Also called: Gastrointestinal stroma tumor; Gastrointestinal stromal tumor, somatic. Identifiers: Orphanet 44890, MedGen C0238198, MeSH D046152, MONDO:0011719, OMIM 606764, HP:0100723.
Hereditary cancer-predisposing syndrome. Also called: Neoplastic Syndromes, Hereditary; Hereditary Cancer Syndrome; Hereditary neoplastic syndrome; Tumor predisposition. Identifiers: Orphanet 140162, MedGen C0027672, MeSH D009386, MONDO:0015356.

Allele frequency attached by ClinVar (database versions not stated): TOPMed 0.00001; gnomAD 0.00001.

Submissions (2):

Ambry Genetics
Classification: Uncertain significance for Hereditary cancer-predisposing syndrome. Last evaluated: 2025-08-27. Review status: criteria provided, single submitter. Criteria: Ambry Variant Classification Scheme 2023. Collection method: clinical testing. Allele origin: germline.
Comment: The c.426A>G variant (also known as p.E142E), located in coding exon 3 of the KIT gene, results from an A to G substitution at nucleotide position 426. This nucleotide substitution does not change the glutamic acid at codon 142. This nucleotide position is poorly conserved in available vertebrate species. In silico splice site analysis predicts that this alteration may result in the creation or strengthening of a novel splice donor site. Based on the available evidence, the clinical significance of this variant remains unclear.

Labcorp Genetics (formerly Invitae), Labcorp
Classification: Likely benign for Gastrointestinal stromal tumor. Last evaluated: 2023-04-06. Review status: criteria provided, single submitter. Criteria: Invitae Variant Classification Sherloc (09022015). Collection method: clinical testing. Allele origin: germline.

NM_000222.3(KIT):c.426A>G (p.Glu142=)

Gene: KIT (KIT proto-oncogene, receptor tyrosine kinase; plus strand). Cytogenetic location: 4q12.
Variant type: single nucleotide variant.
Coding change: c.426A>G on transcript NM_000222.3 (MANE Select); coding-DNA position 426, A replaced by G.
Protein change: p.Glu142=; no amino-acid change (glutamic acid 142 retained).
Molecular consequence: synonymous variant.
Genome position (GRCh38, 1-based): chr4:54,698,372, A>G. VCF-style: chr4-54698372-A-G. GRCh37 (hg19) VCF-style: chr4-55564538-A-G.
Other names: c.426A>G (NM_000222.2); c.426A>G, p.Glu142= (NM_001093772.2, NM_001385284.1, NM_001385285.1 and 4 more transcripts).
Identifiers: ClinVar variation 1091077 (VCV001091077.10), dbSNP rs1183854395, ClinGen allele CA439409190.